The following is an entry in ClinVar:

ClinVar aggregate classification (germline): Uncertain significance (1 of 4 stars; one submission).

Conditions:
Muscular dystrophy-dystroglycanopathy (congenital with impaired intellectual development), type B, 2. Also called: MUSCULAR DYSTROPHY, CONGENITAL, POMT2-RELATED; Muscular dystrophy-dystroglycanopathy (congenital with intellectual disability), type B2. Identifiers: MedGen C3150416, MONDO:0013160, OMIM 613156.
Muscular dystrophy-dystroglycanopathy (congenital with brain and eye anomalies), type A2. Also called: MUSCULAR DYSTROPHY-DYSTROGLYCANOPATHY (CONGENITAL WITH BRAIN AND EYE ANOMALIES), TYPE A, 2; WALKER-WARBURG SYNDROME OR MUSCLE-EYE-BRAIN DISEASE, POMT2-RELATED. Identifiers: Orphanet 588, Orphanet 899, MedGen C3150411, MONDO:0013154, OMIM 613150.
Autosomal recessive limb-girdle muscular dystrophy type 2N. Also called: MUSCULAR DYSTROPHY-DYSTROGLYCANOPATHY, LIMB-GIRDLE, POMT2-RELATED; Muscular dystrophy-dystroglycanopathy (limb-girdle), type C, 2. Identifiers: Orphanet 206559, MedGen C3150418, MONDO:0013162, OMIM 613158.

Submission:

Labcorp Genetics (formerly Invitae), Labcorp
Classification: Uncertain significance for Muscular dystrophy-dystroglycanopathy (congenital with impaired intellectual development), type B, 2; Muscular dystrophy-dystroglycanopathy (congenital with brain and eye anomalies), type A2; Autosomal recessive limb-girdle muscular dystrophy type 2N. Last evaluated: 2023-05-31. Review status: criteria provided, single submitter. Criteria: Invitae Variant Classification Sherloc (09022015). Collection method: clinical testing. Allele origin: germline.
Comment: This sequence change replaces glutamine, which is neutral and polar, with lysine, which is basic and polar, at codon 370 of the POMT2 protein (p.Gln370Lys). This variant is not present in population databases (gnomAD no frequency). This missense change has been observed in individual(s) with clinical features of POMT2-related conditions (Invitae). In at least one individual the data is consistent with being in trans (on the opposite chromosome) from a pathogenic variant. Advanced modeling of protein sequence and biophysical properties (such as structural, functional, and spatial information, amino acid conservation, physicochemical variation, residue mobility, and thermodynamic stability) has been performed at Invitae for this missense variant, however the output from this modeling did not meet the statistical confidence thresholds required to predict the impact of this variant on POMT2 protein function. In summary, the available evidence is currently insufficient to determine the role of this variant in disease. Therefore, it has been classified as a Variant of Uncertain Significance.

NM_013382.7(POMT2):c.1108C>A (p.Gln370Lys)

Gene: POMT2 (protein O-mannosyltransferase 2; minus strand). Cytogenetic location: 14q24.3.
Variant type: single nucleotide variant.
Coding change: c.1108C>A on transcript NM_013382.7 (MANE Select); coding-DNA position 1108, C replaced by A.
Protein change: p.Gln370Lys; replaces glutamine 370 with lysine.
Molecular consequence: missense variant.
Genome position (GRCh38, 1-based): chr14:77,296,172, G>T on the plus strand (C>A on the coding strand, the complement: POMT2 is on the minus strand). VCF-style: chr14-77296172-G-T. GRCh37 (hg19) VCF-style: chr14-77762515-G-T.
Other names: short protein forms Q370K.
Identifiers: ClinVar variation 2945745 (VCV002945745.3), dbSNP rs2503250460, ClinGen allele CA390519443.
Genomic context (GRCh38, chr14:77,296,172, plus strand): 5'-TGTCATGGCGAACAGCATTGCTGCCGTACAAGTGCACAAAAGGCTCACTGACCTGCTGCT[G>T]ACGGGCACCAATGCCCTCGGGGTAGAGGTGCCTGTGGGAGTGCAGATAGCCGATGGCCAT-3'
Protein context (NP_037514.2, residues 360-380): HLYPEGIGAR[Gln370Lys]QQVTTYLHKD